The following is an entry in ClinVar:

ClinVar aggregate classification (germline): Pathogenic (1 of 4 stars; one submission).

Conditions:
Intellectual disability-facial dysmorphism syndrome due to SETD5 haploinsufficiency (MRD23). Also called: Intellectual developmental disorder, autosomal dominant 23. Identifiers: Orphanet 404440, MedGen C3810406, MONDO:0014336, OMIM 615761.

Submission:

Victorian Clinical Genetics Services, Murdoch Childrens Research Institute
Classification: Pathogenic for Intellectual disability-facial dysmorphism syndrome due to SETD5 haploinsufficiency. Last evaluated: 2026-01-05. Review status: criteria provided, single submitter. Criteria: ACMG Guidelines, 2015. Collection method: clinical testing. Allele origin: germline. Affected: yes.
Comment: This variant is classified as Pathogenic. Evidence in support of pathogenic classification: Canonical splice site variant without proven consequence on splicing (no functional evidence available); Variant is absent from gnomAD (v2, v3 and v4); This variant has moderate previous evidence of pathogenicity in unrelated individuals. This variant has been shown to be de novo in an individual with dysmorphism and developmental delay (DECIPHER); Another canonical splice site variant comparable to the one identified in this case has limited previous evidence for pathogenicity. The c.2724+2T>G variant has been observed in an individual with obesity, intellectual disability, and polydactyly (DECIPHER); Abnormal splicing is predicted by in silico tool and affected nucleotide is highly conserved; Additional information: This variant is heterozygous; This gene is associated with autosomal dominant disease; No published evidence of segregation with disease has been identified for this variant; No published functional evidence has been identified for this variant; Loss of function is a known mechanism of disease in this gene and is associated with intellectual developmental disorder, autosomal dominant 23 (MIM#615761); Variants in this gene are known to have variable expressivity. Some mildly affected parents with the same SETD5 variant as their more severely affected children have been reported (PMID: 28881385, 27375234).

Literature cited by the submitters: PubMed 27375234; PubMed 28881385.

NM_001080517.3(SETD5):c.2724+1G>A

Gene: SETD5 (SET domain containing 5; plus strand). Cytogenetic location: 3p25.3.
Variant type: single nucleotide variant.
Coding change: c.2724+1G>A on transcript NM_001080517.3 (MANE Select); the canonical splice donor site of the intron after coding-DNA position 2724, G replaced by A.
Molecular consequence: splice donor variant.
Genome position (GRCh38, 1-based): chr3:9,464,673, G>A. VCF-style: chr3-9464673-G-A. GRCh37 (hg19) VCF-style: chr3-9506357-G-A.
Other names: c.2724+1G>A (NM_001437643.1); c.2430+1G>A (NM_001349451.2, NM_001292043.2); c.2820+1G>A (NM_001437633.1); c.2781+1G>A (NM_001437635.1); c.2763+1G>A (NM_001437701.1).
Identifiers: ClinVar variation 4819001 (VCV004819001.1).
Genomic context (GRCh38, chr3:9,464,673, plus strand): 5'-TTTTCACCAGTCACATCTCTTACTACTGCTAGTCGCTGCAACACTCCTCTACAGTTTGAG[G>A]TGATTTGGGTTTGGTTGCTGGGAGTGCTGGATATGAAAATCATCATTTGTACCTTCTCAT-3'